The following is an entry in ClinVar:

ClinVar aggregate classification (germline): Pathogenic/Likely pathogenic. Review status: criteria provided, multiple submitters, no conflicts (2 of 4 stars). 5 submissions from 5 submitters: Pathogenic (1); Likely pathogenic (3). 1 of the submissions does not count toward it. Last evaluated 2025-12-11.

Conditions:
Lamellar ichthyosis. Identifiers: Orphanet 313, MedGen C5848247, MONDO:0017778.
Autosomal recessive congenital ichthyosis 5 (ARCI5). Also called: ICHTHYOSIS CONGENITA III; Ichthyosis, nonlamellar and nonerythrodermic, congenital, autosomal recessive. Identifiers: Orphanet 313, MedGen C1858133, MONDO:0011485, OMIM 604777.

Allele frequency attached by ClinVar (database versions not stated): gnomAD 0.00001; TOPMed 0.00001; ExAC 0.00002; gnomAD exomes 0.00002 and 0.00003.

Submissions (5):

Labcorp Genetics (formerly Invitae), Labcorp
Classification: Pathogenic. Last evaluated: 2025-12-11. Review status: criteria provided, single submitter. Criteria: Invitae Variant Classification Sherloc (09022015). Collection method: clinical testing. Allele origin: germline.
Comment: This sequence change replaces arginine, which is basic and polar, with cysteine, which is neutral and slightly polar, at codon 243 of the CYP4F22 protein (p.Arg243Cys). This variant is present in population databases (rs768098854, gnomAD 0.006%). This missense change has been observed in individual(s) with autosomal recessive congenital ichthyosis (PMID: 27025581). ClinVar contains an entry for this variant (Variation ID: 560330). Invitae Evidence Modeling of protein sequence and biophysical properties (such as structural, functional, and spatial information, amino acid conservation, physicochemical variation, residue mobility, and thermodynamic stability) has been performed for this missense variant. However, the output from this modeling did not meet the statistical confidence thresholds required to predict the impact of this variant on CYP4F22 protein function. This variant disrupts the p.Arg243 amino acid residue in CYP4F22. Other variant(s) that disrupt this residue have been observed in individuals with CYP4F22-related conditions (PMID: 16436457, 27025581), which suggests that this may be a clinically significant amino acid residue. For these reasons, this variant has been classified as Pathogenic.

First Genomix Gene Laboratory, Genetic Diagnostics Department
Classification: Likely pathogenic for Autosomal recessive congenital ichthyosis 5. Last evaluated: 2025-09-02. Review status: criteria provided, single submitter. Criteria: ACMG Guidelines, 2015. Collection method: clinical testing. Allele origin: germline. Inheritance: Autosomal recessive inheritance. Affected: no. Observed: 1 variant allele.

Women's Health and Genetics/Laboratory Corporation of America, LabCorp
Classification: Likely pathogenic for Lamellar ichthyosis. Last evaluated: 2023-02-21. Review status: criteria provided, single submitter. Criteria: LabCorp Variant Classification Summary - May 2015. Collection method: clinical testing. Allele origin: germline.
Comment: Variant summary: CYP4F22 c.727C>T (p.Arg243Cys) results in a non-conservative amino acid change in the encoded protein sequence. Five of five in-silico tools predict a damaging effect of the variant on protein function. The variant allele was found at a frequency of 2.4e-05 in 251400 control chromosomes (gnomAD). c.727C>T has been reported in the literature in bi-allelic individuals affected with Lamellar Ichthyosis (example: Pigg_2016). To our knowledge, no experimental evidence demonstrating an impact on protein function has been reported. A different variant affecting the same amino acid (p.R243H) is classified pathogenic by our lab and in ClinVar. Two clinical diagnostic laboratories have submitted clinical-significance assessments for this variant to ClinVar after 2014 and classified the variant as pathogenic/likely pathogenic. Based on the evidence outlined above, the variant was classified as likely pathogenic.

GeneDx
Classification: Likely pathogenic. Last evaluated: 2021-02-04. Review status: criteria provided, single submitter. Criteria: GeneDx Variant Classification Process June 2021. Collection method: clinical testing. Allele origin: germline. Affected: yes.
Comment: In silico analysis, which includes protein predictors and evolutionary conservation, supports a deleterious effect; This variant is associated with the following publications: (PMID: 30011118, 27025581)

Institute for Human Genetics, University Medical Center Freiburg
Classification: Pathogenic for Autosomal recessive congenital ichthyosis 5. Last evaluated: 2018-04-23. Review status: no assertion criteria provided. Collection method: clinical testing. Allele origin: germline. Affected: yes. Not counted in ClinVar's aggregate classification.

Literature cited by the submitters: PubMed 27025581 (cited by 3 submitters); PubMed 16436457 (cited by Labcorp Genetics (formerly Invitae), Labcorp); PubMed 30011118 (cited by Women's Health and Genetics/Laboratory Corporation of America, LabCorp).

NM_173483.4(CYP4F22):c.727C>T (p.Arg243Cys)

Gene: CYP4F22 (cytochrome P450 family 4 subfamily F member 22; plus strand). Cytogenetic location: 19p13.12.
Variant type: single nucleotide variant.
Coding change: c.727C>T on transcript NM_173483.4 (MANE Select); coding-DNA position 727, C replaced by T.
Protein change: p.Arg243Cys; replaces arginine 243 with cysteine.
Molecular consequence: missense variant.
Genome position (GRCh38, 1-based): chr19:15,540,505, C>T. VCF-style: chr19-15540505-C-T. GRCh37 (hg19) VCF-style: chr19-15651316-C-T.
Other names: short protein forms R243C.
Identifiers: ClinVar variation 560330 (VCV000560330.6), dbSNP rs768098854, ClinGen allele CA9269686.
Genomic context (GRCh38, chr19:15,540,505, plus strand): 5'-GGCAGGAAGATGAGTGATTATATCTCCGCTATCATTGAACTGAGCGCTCTGTCTGTCCGG[C>T]GCCAGTATCGCTTGCACCACTACCTCGACTTCATTTACTACCGCTCGGCGGATGGGCGGA-3'
Protein context (NP_775754.2, residues 233-253): IIELSALSVR[Arg243Cys]QYRLHHYLDF